The following is an entry in ClinVar:

ClinVar aggregate classification (germline): Uncertain significance (1 of 4 stars; one submission).

gnomAD v4.1: 27 of 1,550,126 alleles (0.0017%); highest among the groups gnomAD compares: African/African-American, 0.027%; no homozygotes.

Submission:

GeneDx
Classification: Uncertain significance. Last evaluated: 2026-05-07. Review status: criteria provided, single submitter. Criteria: GeneDx Variant Classification Process June 2021. Collection method: clinical testing. Allele origin: germline.
Comment: In silico analysis supports that this missense variant has a deleterious effect on protein structure/function; Has not been previously published as pathogenic or benign to our knowledge

NM_001367479.1(DNAH14):c.3913C>G (p.Leu1305Val)

Gene: DNAH14 (dynein axonemal heavy chain 14; plus strand). Cytogenetic location: 1q42.12.
Variant type: single nucleotide variant.
Coding change: c.3913C>G on transcript NM_001367479.1 (MANE Select); coding-DNA position 3913, C replaced by G.
Protein change: p.Leu1305Val; replaces leucine 1305 with valine.
Molecular consequence: missense variant.
Genome position (GRCh38, 1-based): chr1:225,117,729, C>G. VCF-style: chr1-225117729-C-G. GRCh37 (hg19) VCF-style: chr1-225305431-C-G.
Other names: NM_001373.1:c.3913C>G; short protein forms L1305V.
Identifiers: ClinVar variation 3906521 (VCV003906521.2).